The following is an entry in ClinVar:

ClinVar aggregate classification (germline): Uncertain significance (1 of 4 stars; one submission).

Conditions:
Inborn genetic diseases. Identifiers: MedGen C0950123, MeSH D030342.

Allele frequency attached by ClinVar (database versions not stated): ExAC 0.00003.
gnomAD v4.1: 4 of 1,607,184 alleles (0.00025%); highest among the groups gnomAD compares: Non-Finnish European, 0.00034%; no homozygotes.

Submission:

Ambry Genetics
Classification: Uncertain significance for Inborn genetic diseases. Last evaluated: 2022-09-11. Review status: criteria provided, single submitter. Criteria: Ambry Variant Classification Scheme 2023. Collection method: clinical testing. Allele origin: germline.
Comment: The p.S471I variant (also known as c.1412G>T), located in coding exon 10 of the EPAS1 gene, results from a G to T substitution at nucleotide position 1412. The serine at codon 471 is replaced by isoleucine, an amino acid with dissimilar properties. This amino acid position is conserved. In addition, the in silico prediction for this alteration is inconclusive. Since supporting evidence is limited at this time, the clinical significance of this alteration remains unclear.

NM_001430.5(EPAS1):c.1412G>T (p.Ser471Ile)

Gene: EPAS1 (endothelial PAS domain protein 1; plus strand). Cytogenetic location: 2p21.
Variant type: single nucleotide variant.
Coding change: c.1412G>T on transcript NM_001430.5 (MANE Select); coding-DNA position 1412, G replaced by T.
Protein change: p.Ser471Ile; replaces serine 471 with isoleucine.
Molecular consequence: missense variant.
Genome position (GRCh38, 1-based): chr2:46,378,056, G>T. VCF-style: chr2-46378056-G-T. GRCh37 (hg19) VCF-style: chr2-46605195-G-T.
Other names: short protein forms S471I.
Identifiers: ClinVar variation 1772069 (VCV001772069.2), dbSNP rs771182885, ClinGen allele CA1644974.